The following is an entry in ClinVar:

NM_006623.4(PHGDH):c.714_715insCAGATGTGTTAAGAGAC (p.Ile239delinsGlnMetCysTer)

Gene: PHGDH (phosphoglycerate dehydrogenase; plus strand). Cytogenetic location: 1p12.
Variant type: Insertion.
Coding change: c.714_715insCAGATGTGTTAAGAGAC on transcript NM_006623.4 (MANE Select); coding-DNA positions 714 to 715, CAGATGTGTTAAGAGAC inserted.
Protein change: p.Ile239delinsGlnMetCysTer.
Molecular consequence: nonsense.
Genome position: GRCh38 VCF-style: chr1-119735365-G-GCAGATGTGTTAAGAGAC. GRCh37 (hg19) VCF-style: chr1-120277988-G-GCAGATGTGTTAAGAGAC.
Identifiers: ClinVar variation 5011125 (VCV005011125.1).
Genomic context (GRCh38, chr1:119,735,365, plus strand): 5'-TGACAACACCTTTGCCCAGTGCAAGAAGGGGGTGCGTGTGGTGAACTGTGCCCGTGGAGG[G>GCAGATGTGTTAAGAGAC]ATCGTGGACGAAGGCGCCCTGCTCCGGGCCCTGCAGTCTGGCCAGTGTGCCGGGGCTGCA-3'

ClinVar aggregate classification (germline): Pathogenic (1 of 4 stars; one submission).

Conditions:
Neurometabolic disorder due to serine deficiency. Identifiers: Orphanet 35705, MedGen C5680148, MONDO:0018162.

Submission:

Myriad Genetics, Inc.
Classification: Pathogenic for Neurometabolic disorder due to serine deficiency. Last evaluated: 2024-05-14. Review status: criteria provided, single submitter. Criteria: Myriad Autosomal Dominant, Autosomal Recessive and X-Linked Classification Criteria (2023). Collection method: clinical testing. Allele origin: unknown.
Comment: NM_006623.3(PHGDH):c.714_715ins17(I239Qfs*4) is expected to be pathogenic in the context of serine deficiency disorder, PHGDH-related. This variant is predicted to lead to an abnormal or absent protein product due to the creation of a premature termination codon in PHGDH, a gene where loss-of-function variants are known to be pathogenic. Please note: this variant was assessed in the context of healthy population screening.